The following is an entry in ClinVar:

NC_000009.11:g.(?_214957)_(286656_?)dup

Genes: DOCK8 (dedicator of cytokinesis 8; plus strand), DOCK8-AS1 (DOCK8 antisense RNA 1; minus strand). Cytogenetic location: 9p24.3.
Variant type: Duplication.
Identifiers: ClinVar variation 1052651 (VCV001052651.1).

ClinVar aggregate classification (germline): Uncertain significance (1 of 4 stars; one submission).

Conditions:
Combined immunodeficiency due to DOCK8 deficiency (HIES2). Also called: DOCK8 Deficiency; HIES autosomal recessive; Hyper-IgE recurrent infection syndrome, autosomal recessive; HYPER-IgE RECURRENT INFECTION SYNDROME 2, AUTOSOMAL RECESSIVE; HYPER-IgE SYNDROME 2, AUTOSOMAL RECESSIVE, WITH RECURRENT INFECTIONS. Identifiers: Orphanet 217390, MedGen C4722305, MONDO:0009478, OMIM 243700.

Submission:

Labcorp Genetics (formerly Invitae), Labcorp
Classification: Uncertain significance for Combined immunodeficiency due to DOCK8 deficiency. Last evaluated: 2020-04-17. Review status: criteria provided, single submitter. Criteria: Invitae Variant Classification Sherloc (09022015). Collection method: clinical testing. Allele origin: germline.
Comment: This variant results in a copy number gain of the genomic region encompassing exon(s) 1-3 of the DOCK8 gene, which includes the initiator codon. The 5' end of this event is unknown as it extends beyond the assayed region for this gene and therefore may encompass additional genes. The 3' boundary is likely confined to intron 3 of the DOCK8 gene. As the precise location of this event is unknown, it may be in tandem or it may be located elsewhere in the genome. This variant has not been reported in the literature in individuals with DOCK8-related conditions. Experimental studies and prediction algorithms are not available or were not evaluated, and the functional significance of this variant is currently unknown. In summary, the available evidence is currently insufficient to determine the role of this variant in disease. Therefore, it has been classified as a Variant of Uncertain Significance.